The following is an entry in ClinVar:

ClinVar aggregate classification (germline): Pathogenic (1 of 4 stars; one submission).

Allele frequency attached by ClinVar (database versions not stated): gnomAD exomes below 0.00001; TOPMed 0.00001.

Submission:

Labcorp Genetics (formerly Invitae), Labcorp
Classification: Pathogenic. Last evaluated: 2023-12-19. Review status: criteria provided, single submitter. Criteria: Invitae Variant Classification Sherloc (09022015). Collection method: clinical testing. Allele origin: germline.
Comment: This sequence change creates a premature translational stop signal (p.Gln560Argfs*123) in the COL17A1 gene. It is expected to result in an absent or disrupted protein product. Loss-of-function variants in COL17A1 are known to be pathogenic (PMID: 16473856, 17344927, 20301304, 21357940, 24319098). This variant is not present in population databases (gnomAD no frequency). This variant has not been reported in the literature in individuals affected with COL17A1-related conditions. For these reasons, this variant has been classified as Pathogenic.

Literature cited by the submitters: PubMed 16473856; PubMed 17344927; PubMed 20301304; PubMed 21357940; PubMed 24319098.

NM_000494.4(COL17A1):c.1678del (p.Gln560fs)

Gene: COL17A1 (collagen type XVII alpha 1 chain; minus strand). Cytogenetic location: 10q25.1.
Variant type: Deletion.
Coding change: c.1678del on transcript NM_000494.4 (MANE Select); coding-DNA position 1678, one base deleted (C; older notation c.1678delC).
Protein change: p.Gln560fs; shifts the reading frame from glutamine 560.
Molecular consequence: frameshift variant.
Genome position (GRCh38, 1-based): chr10:104,055,791, G deleted on the plus strand (C on the coding strand, the reverse complement: COL17A1 is on the minus strand). VCF-style (leftmost placement, unchanged base first): chr10-104055790-TG-T. GRCh37 (hg19) VCF-style: chr10-105815548-TG-T.
Other names: short protein forms Q560fs.
Identifiers: ClinVar variation 2781884 (VCV002781884.3), dbSNP rs2086518173, ClinGen allele CA471502630.